The following is an entry in ClinVar:

NM_133433.4(NIPBL):c.904C>G (p.Leu302Val)

Gene: NIPBL (NIPBL cohesin loading factor; plus strand). Cytogenetic location: 5p13.2.
Variant type: single nucleotide variant.
Coding change: c.904C>G on transcript NM_133433.4 (MANE Select); coding-DNA position 904, C replaced by G.
Protein change: p.Leu302Val; replaces leucine 302 with valine.
Molecular consequence: missense variant.
Genome position (GRCh38, 1-based): chr5:36,975,811, C>G. VCF-style: chr5-36975811-C-G. GRCh37 (hg19) VCF-style: chr5-36975913-C-G.
Other names: c.904C>G, p.Leu302Val (NM_015384.5); short protein forms L302V.
Identifiers: ClinVar variation 2086102 (VCV002086102.4), dbSNP rs755928572, ClinGen allele CA3235966.

ClinVar aggregate classification (germline): Uncertain significance (1 of 4 stars; one submission).

Conditions:
Cornelia de Lange syndrome 1 (CDLS1). Also called: TYPUS DEGENERATIVUS AMSTELODAMENSIS; Brachmann de Lange syndrome; NIPBL-Related Cornelia de Lange Syndrome. Identifiers: Orphanet 199, MedGen C4551851, MONDO:0007387, OMIM 122470.

Allele frequency attached by ClinVar (database versions not stated): gnomAD exomes 0.00001; TOPMed 0.00001; ExAC 0.00002.

Submission:

Labcorp Genetics (formerly Invitae), Labcorp
Classification: Uncertain significance for Cornelia de Lange syndrome 1. Last evaluated: 2022-06-27. Review status: criteria provided, single submitter. Criteria: Invitae Variant Classification Sherloc (09022015). Collection method: clinical testing. Allele origin: germline.
Comment: In summary, the available evidence is currently insufficient to determine the role of this variant in disease. Therefore, it has been classified as a Variant of Uncertain Significance. Advanced modeling of protein sequence and biophysical properties (such as structural, functional, and spatial information, amino acid conservation, physicochemical variation, residue mobility, and thermodynamic stability) performed at Invitae indicates that this missense variant is not expected to disrupt NIPBL protein function. This variant has not been reported in the literature in individuals affected with NIPBL-related conditions. This variant is present in population databases (rs755928572, gnomAD 0.03%). This sequence change replaces leucine, which is neutral and non-polar, with valine, which is neutral and non-polar, at codon 302 of the NIPBL protein (p.Leu302Val).